The following is an entry in ClinVar:

NM_002439.5(MSH3):c.1430C>G (p.Ala477Gly)

Gene: MSH3 (mutS homolog 3; plus strand). Cytogenetic location: 5q14.1.
Variant type: single nucleotide variant.
Coding change: c.1430C>G on transcript NM_002439.5 (MANE Select); coding-DNA position 1430, C replaced by G.
Protein change: p.Ala477Gly; replaces alanine 477 with glycine.
Molecular consequence: missense variant.
Genome position (GRCh38, 1-based): chr5:80,725,542, C>G. VCF-style: chr5-80725542-C-G. GRCh37 (hg19) VCF-style: chr5-80021361-C-G.
Other names: short protein forms A477G.
Identifiers: ClinVar variation 836042 (VCV000836042.11), dbSNP rs534548594, ClinGen allele CA360273680.

ClinVar aggregate classification (germline): Uncertain significance. Review status: criteria provided, multiple submitters, no conflicts (2 of 4 stars). 3 submissions from 3 submitters: Uncertain significance (3). Last evaluated 2024-04-30.

Conditions:
Hereditary cancer-predisposing syndrome. Also called: Hereditary neoplastic syndrome; Neoplastic Syndromes, Hereditary; Tumor predisposition; Hereditary Cancer Syndrome. Identifiers: Orphanet 140162, MedGen C0027672, MeSH D009386, MONDO:0015356.
Endometrial carcinoma. Also called: Endometrial carcinoma, somatic. Identifiers: MedGen C0476089, MONDO:0002447, OMIM 608089, HP:0012114.

gnomAD v4.1: 2 of 1,612,660 alleles (0.00012%); highest among the groups gnomAD compares: Non-Finnish European, 0.00017%; no homozygotes.

Submissions (3):

Labcorp Genetics (formerly Invitae), Labcorp
Classification: Uncertain significance. Last evaluated: 2024-04-30. Review status: criteria provided, single submitter. Criteria: Invitae Variant Classification Sherloc (09022015). Collection method: clinical testing. Allele origin: germline.
Comment: This sequence change replaces alanine, which is neutral and non-polar, with glycine, which is neutral and non-polar, at codon 477 of the MSH3 protein (p.Ala477Gly). This variant is not present in population databases (gnomAD no frequency). This variant has not been reported in the literature in individuals affected with MSH3-related conditions. ClinVar contains an entry for this variant (Variation ID: 836042). An algorithm developed to predict the effect of missense changes on protein structure and function (PolyPhen-2) suggests that this variant is likely to be tolerated. In summary, the available evidence is currently insufficient to determine the role of this variant in disease. Therefore, it has been classified as a Variant of Uncertain Significance.

Baylor Genetics
Classification: Uncertain significance for Endometrial carcinoma. Last evaluated: 2023-10-11. Review status: criteria provided, single submitter. Criteria: ACMG Guidelines, 2015. Collection method: clinical testing. Allele origin: unknown.

Ambry Genetics
Classification: Uncertain significance for Hereditary cancer-predisposing syndrome. Last evaluated: 2020-11-25. Review status: criteria provided, single submitter. Criteria: Ambry Variant Classification Scheme 2023. Collection method: clinical testing. Allele origin: germline.
Comment: The p.A477G variant (also known as c.1430C>G), located in coding exon 9 of the MSH3 gene, results from a C to G substitution at nucleotide position 1430. The alanine at codon 477 is replaced by glycine, an amino acid with similar properties. This amino acid position is not well conserved in available vertebrate species. In addition, this alteration is predicted to be tolerated by in silico analysis. Since supporting evidence is limited at this time, the clinical significance of this alteration remains unclear.